The following is an entry in ClinVar:

ClinVar aggregate classification (germline): Uncertain significance (1 of 4 stars; one submission).

Submission:

Labcorp Genetics (formerly Invitae), Labcorp
Classification: Uncertain significance. Last evaluated: 2024-06-18. Review status: criteria provided, single submitter. Criteria: Invitae Variant Classification Sherloc (09022015). Collection method: clinical testing. Allele origin: germline.
Comment: This sequence change replaces aspartic acid, which is acidic and polar, with tyrosine, which is neutral and polar, at codon 283 of the SH3KBP1 protein (p.Asp283Tyr). This variant is not present in population databases (gnomAD no frequency). This variant has not been reported in the literature in individuals affected with SH3KBP1-related conditions. Advanced modeling of protein sequence and biophysical properties (such as structural, functional, and spatial information, amino acid conservation, physicochemical variation, residue mobility, and thermodynamic stability) performed at Invitae indicates that this missense variant is not expected to disrupt SH3KBP1 protein function with a negative predictive value of 80%. In summary, the available evidence is currently insufficient to determine the role of this variant in disease. Therefore, it has been classified as a Variant of Uncertain Significance.

NM_031892.3(SH3KBP1):c.847G>T (p.Asp283Tyr)

Gene: SH3KBP1 (SH3 domain containing kinase binding protein 1; minus strand). Cytogenetic location: Xp22.12.
Variant type: single nucleotide variant.
Coding change: c.847G>T on transcript NM_031892.3 (MANE Select); coding-DNA position 847, G replaced by T.
Protein change: p.Asp283Tyr; replaces aspartic acid 283 with tyrosine.
Molecular consequence: missense variant.
Genome position (GRCh38, 1-based): chrX:19,631,914, C>A on the plus strand (G>T on the coding strand, the complement: SH3KBP1 is on the minus strand). VCF-style: chrX-19631914-C-A. GRCh37 (hg19) VCF-style: chrX-19650032-C-A.
Other names: c.736G>T, p.Asp246Tyr (NM_001024666.3); c.133G>T, p.Asp45Tyr (NM_001184960.2, NM_001353897.2); c.847G>T, p.Asp283Tyr (NM_001353890.2); c.922G>T, p.Asp308Tyr (NM_001353891.2, NM_001353892.2); c.745G>T, p.Asp249Tyr (NM_001353893.2, NM_001353894.2); c.802G>T, p.Asp268Tyr (NM_001353895.2); c.979G>T, p.Asp327Tyr (NM_001410756.1, NM_001410757.1); c.670G>T, p.Asp224Tyr (NM_001410758.1); short protein forms D246Y, D308Y, D327Y, D224Y, D249Y, D268Y, D283Y, D45Y.
Identifiers: ClinVar variation 3688039 (VCV003688039.2).
Genomic context (GRCh38, chrX:19,631,914, plus strand): 5'-CTTTGTTTACCTTATTGATGAGAGTGACTATATCTCCTTCTTTGATTGTCAATTCATCAT[C>A]ATTCTGTGCCTCATATGGAAATATTACTTTGCAGTAATCCTTGCCTATAAGAAAAACAGA-3'
Protein context (NP_114098.1, residues 273-293): KVIFPYEAQN[Asp283Tyr]DELTIKEGDI